The following is an entry in ClinVar:

GRCh37/hg19 16p12.2(chr16:21801488-22710614)x1

Genes: CDR2 (cerebellar degeneration related protein 2), EEF2K (eukaryotic elongation factor 2 kinase), MOSMO (modulator of smoothened), NPIPB4 (nuclear pore complex interacting protein family member B4), NPIPB5 (nuclear pore complex interacting protein family member B5) and 5 more. Cytogenetic location: 16p12.2.
Variant type: copy number loss.
Change: copy number 1 (one copy instead of two) of chr16:21,801,488-22,710,614 (909.1 kb, GRCh37 coordinates, 1-based), cytogenetic band 16p12.2.
Identifiers: ClinVar variation 4820250 (VCV004820250.1).

ClinVar aggregate classification (germline): Likely pathogenic (1 of 4 stars; one submission).

Conditions:
16p12.2 microdeletion syndrome. Identifiers: MedGen C4708497.

Submission:

Keimyung University Dongsan Hospital, Keimyung University School of Medicine
Classification: Likely pathogenic for 16p12.2 microdeletion syndrome. Last evaluated: 2026-03-28. Review status: criteria provided, single submitter. Criteria: ACMG/ClinGen CNV Guidelines, 2019. Collection method: clinical testing. Allele origin: unknown. Affected: yes. Observed: 1 variant allele, 1 heterozygote.
Comment: This is a recurrent 16p12.2 microdeletion involving the proximal critical region, including genes such as EEF2K and CDR2, which have emerging evidence for haploinsufficiency. The deletion size and gene content are consistent with previously reported pathogenic CNVs. Based on these findings, the variant was classified as likely pathogenic.